The following is an entry in ClinVar:

NM_001130987.2(DYSF):c.1906G>C (p.Gly636Arg)

Gene: DYSF (dysferlin; plus strand). Cytogenetic location: 2p13.2.
Variant type: single nucleotide variant.
Coding change: c.1906G>C on transcript NM_001130987.2 (MANE Select); coding-DNA position 1906, G replaced by C.
Protein change: p.Gly636Arg; replaces glycine 636 with arginine.
Molecular consequence: missense variant.
Genome position (GRCh38, 1-based): chr2:71,553,110, G>C. VCF-style: chr2-71553110-G-C. GRCh37 (hg19) VCF-style: chr2-71780240-G-C.
Other names: NM_001130987.2(DYSF):c.1906G>C; p.Gly636Arg; c.1855G>C, p.Gly619Arg (NM_001130455.2, NM_001130983.2); c.1810G>C, p.Gly604Arg (NM_001130976.2, NM_001130977.2); c.1852G>C, p.Gly618Arg (NM_001130978.2, NM_003494.4); c.1945G>C, p.Gly649Arg (NM_001130979.2); c.1903G>C, p.Gly635Arg (NM_001130980.2, NM_001130981.2); c.1948G>C, p.Gly650Arg (NM_001130982.2); and 2 more; short protein forms G618R, G636R, G649R, G619R, G635R, G604R, G605R, G650R.
Identifiers: ClinVar variation 217224 (VCV000217224.7), dbSNP rs201049092, ClinGen allele CA277611.

ClinVar aggregate classification (germline): Pathogenic. Review status: reviewed by expert panel (3 of 4 stars). 3 submissions from 3 submitters: Pathogenic (1). 2 of the submissions do not count toward it. Last evaluated 2025-01-08.

Conditions:
Autosomal recessive limb-girdle muscular dystrophy. Identifiers: Orphanet 102015, MedGen C2931907, MONDO:0015152.
Autosomal recessive limb-girdle muscular dystrophy type 2B (LGMDR2). Also called: Limb-girdle muscular dystrophy, type 2B; MUSCULAR DYSTROPHY, LIMB-GIRDLE, AUTOSOMAL RECESSIVE 2; MUSCULAR DYSTROPHY, LIMB-GIRDLE, TYPE 3; Limb-Girdle Muscular Dystrophy Type 2B (LGMD2B). Identifiers: Orphanet 268, MedGen C1850889, MONDO:0009676, OMIM 253601.

Submissions (3):

ClinGen Limb Girdle Muscular Dystrophy Variant Curation Expert Panel, ClinGen
Classification: Pathogenic for Autosomal recessive limb-girdle muscular dystrophy. Last evaluated: 2025-01-08. Review status: reviewed by expert panel. Criteria: ClinGen LGMD VCEP ACMG Specifications DYSF V1.0.0. Collection method: curation. Allele origin: germline. Inheritance: Autosomal recessive inheritance.
Comment: The NM_003494.4: c.1852G>C variant in DYSF, which is also known as NM_001130987.2: c.1906G>C p.(Gly636Arg), is a missense variant predicted to cause substitution of glycine by arginine at amino acid 618 (p.Gly618Arg). This variant has been detected in one individual with a clinical diagnosis or suspicion of LGMD and absent dysferlin protein expression (PP4_Strong), in whom it was identified in unknown phase with a variant classified as at least likely pathogenic (c.5836_5839del p.(Gln1946Trpfs*19), 0.25 pts, PMID: 30564623, Jain Foundation Dysferlin Registry internal data communication) (PM3_Supporting not met). This variant is absent from gnomAD v2.1.1 and 3.1.2 (PM2_Supporting). Immunofluorescence and 2-A assays of dysferlin membrane localization in HEK293T cells showed the Gly636Arg protein did not reach the cell membrane, indicating an impact on protein function (PMID: 35028538) (PS3_Moderate). The computational predictor REVEL gives a score of 0.928, which is above the LGMD VCEP threshold of 0.70, evidence that correlates with impact to DYSF function (PP3). The same amino acid change, p.(Gly618Arg), resulting from a different nucleotide change, c.1852G>A (NM_003494.4), is classified as pathogenic for autosomal recessive LGMD by the ClinGen LGMD VCEP (PS1). In summary, this variant meets the criteria to be classified as Pathogenic for autosomal recessive limb girdle muscular dystrophy based on the ACMG/AMP criteria applied, as specified by the ClinGen LGMD VCEP (LGMD VCEP specifications version 1.0.0; 01/08/2025): PM2_Supporting, PP4_Strong, PS1, PS3_Moderate, PP3.

Eurofins Ntd Llc (ga)
Classification: Pathogenic. Last evaluated: 2016-06-02. Review status: criteria provided, single submitter. Criteria: EGL Classification Definitions 2015. Collection method: clinical testing. Allele origin: germline. Observed: 1 variant allele, 1 heterozygote. Not counted in ClinVar's aggregate classification.

Athena Diagnostics
Classification: Likely pathogenic for Limb-girdle muscular dystrophy, type 2B. Last evaluated: 2015-05-28. Review status: criteria provided, single submitter. Criteria: Athena Diagnostics Criteria. Collection method: clinical testing. Allele origin: germline. Inheritance: Autosomal recessive inheritance. Not counted in ClinVar's aggregate classification.

Literature cited by the submitters: PubMed 35028538 (cited by ClinGen Limb Girdle Muscular Dystrophy Variant Curation Expert Panel, ClinGen); PubMed 15469449 (cited by Athena Diagnostics); PubMed 17828519 (cited by Athena Diagnostics); PubMed 18853459 (cited by Athena Diagnostics); PubMed 12471055 (cited by Athena Diagnostics).